The following is an entry in ClinVar:

NM_000091.5(COL4A3):c.3115G>C (p.Gly1039Arg)

Genes: COL4A3 (collagen type IV alpha 3 chain; plus strand), MFF-DT (MFF divergent transcript; minus strand). Cytogenetic location: 2q36.3.
Variant type: single nucleotide variant.
Coding change: c.3115G>C on transcript NM_000091.5 (MANE Select); coding-DNA position 3115, G replaced by C.
Protein change: p.Gly1039Arg; replaces glycine 1039 with arginine.
Molecular consequence: missense variant.
Genome position (GRCh38, 1-based): chr2:227,290,791, G>C. VCF-style: chr2-227290791-G-C. GRCh37 (hg19) VCF-style: chr2-228155507-G-C.
Other names: short protein forms G1039R.
Identifiers: ClinVar variation 1047483 (VCV001047483.8), dbSNP rs2072647370, ClinGen allele CA350855587.

ClinVar aggregate classification (germline): Uncertain significance (1 of 4 stars; one submission).

Submission:

Labcorp Genetics (formerly Invitae), Labcorp
Classification: Uncertain significance. Last evaluated: 2020-02-11. Review status: criteria provided, single submitter. Criteria: Invitae Variant Classification Sherloc (09022015). Collection method: clinical testing. Allele origin: germline.
Comment: This variant has been observed in individual(s) with autosomal recessive Alport syndrome (Invitae) or autosomal dominant Alport syndrome (PMID: 24854265). Experimental studies and prediction algorithms are not available or were not evaluated, and the functional significance of this variant is currently unknown. In summary, the available evidence is currently insufficient to determine the role of this variant in disease. Therefore, it has been classified as a Variant of Uncertain Significance. This sequence change replaces glycine with arginine at codon 1039 of the COL4A3 protein (p.Gly1039Arg). The glycine residue is highly conserved and there is a moderate physicochemical difference between glycine and arginine. This variant is not present in population databases (ExAC no frequency).

Literature cited by the submitters: PubMed 24854265.